The following is an entry in ClinVar:

ClinVar aggregate classification (germline): Benign. Review status: criteria provided, multiple submitters, no conflicts (2 of 4 stars). 2 submissions from 2 submitters: Benign (2). Last evaluated 2018-06-19.

Allele frequency attached by ClinVar (database versions not stated): gnomAD exomes 0.00258; gnomAD 0.02255 and 0.02432; TOPMed 0.02569; 1000 Genomes Project 0.02736; 1000 Genomes Project 30x 0.02904.

Submissions (2):

GeneDx
Classification: Benign. Last evaluated: 2018-06-19. Review status: criteria provided, single submitter. Criteria: GeneDx Variant Classification (06012015). Collection method: clinical testing. Allele origin: germline. Affected: yes.
Comment: This variant is considered likely benign or benign based on one or more of the following criteria: it is a conservative change, it occurs at a poorly conserved position in the protein, it is predicted to be benign by multiple in silico algorithms, and/or has population frequency not consistent with disease.

Breakthrough Genomics
Classification: Benign. Review status: criteria provided, single submitter. Criteria: ACMG Guidelines, 2015. Collection method: not provided. Allele origin: germline. Inheritance: Autosomal dominant inheritance. Affected: yes.

NM_005159.5(ACTC1):c.455-243A>T

Genes: ACTC1 (actin alpha cardiac muscle 1; minus strand), GJD2-DT (GJD2 divergent transcript; plus strand). Cytogenetic location: 15q14.
Variant type: single nucleotide variant.
Coding change: c.455-243A>T on transcript NM_005159.5 (MANE Select); 243 bases into the intron before coding-DNA position 455, A replaced by T.
Molecular consequence: intron variant.
Genome position (GRCh38, 1-based): chr15:34,792,812, T>A on the plus strand (A>T on the coding strand, the complement: ACTC1 is on the minus strand). VCF-style: chr15-34792812-T-A. GRCh37 (hg19) VCF-style: chr15-35085013-T-A.
Identifiers: ClinVar variation 679409 (VCV000679409.2), dbSNP rs76891510, ClinGen allele CA268662802.
Genomic context (GRCh38, chr15:34,792,812, plus strand): 5'-AAACTGCAGCTCATCTTTTTAACTATTATAGTAGAAAAAATTCCCGAGGACACTTTCAAA[T>A]GACCATCTTTCTTGTCAGCCACGAGCACATTATGTAAGCACCCAAGGGTGTTTTTCTTTG-3'